The following is an entry in ClinVar:

ClinVar aggregate classification (germline): Pathogenic (1 of 4 stars; one submission).

Submission:

GeneDx
Classification: Pathogenic. Last evaluated: 2017-11-06. Review status: criteria provided, single submitter. Criteria: GeneDx Variant Classification (06012015). Collection method: clinical testing. Allele origin: germline. Affected: yes.
Comment: The c.166delG pathogenic variant in the SERPING1 gene causes a frameshift starting with codon Valine 56, changes this amino acid to a Leucine residue and creates a premature Stop codon at position 23 of the new reading frame, denoted p.Val56LeufsX23. This pathogenic variant is predicted to cause loss of normal protein function either through protein truncation or nonsense-mediated mRNA decay. c.166delG is not observed in large population cohorts (Lek et al., 2016). Although this pathogenic variant has not been previously reported to our knowledge, its presence is consistent with the diagnosis of hereditary angioedema.

NM_000062.3(SERPING1):c.166del (p.Val56fs)

Gene: SERPING1 (serpin family G member 1; plus strand). Cytogenetic location: 11q12.1.
Variant type: Deletion.
Coding change: c.166del on transcript NM_000062.3 (MANE Select); coding-DNA position 166, one base deleted (G; older notation c.166delG).
Protein change: p.Val56fs; shifts the reading frame from valine 56.
Molecular consequence: frameshift variant.
Genome position (GRCh38, 1-based): chr11:57,599,993, G deleted. VCF-style (leftmost placement, unchanged base first): chr11-57599992-CG-C. GRCh37 (hg19) VCF-style: chr11-57367465-CG-C.
Other names: c.166delG (NM_000062.2); c.166del, p.Val56fs (NM_001032295.2); short protein forms V56fs.
Identifiers: ClinVar variation 503648 (VCV000503648.2), dbSNP rs1554994909, ClinGen allele CA658797623.